The following is an entry in ClinVar:

NM_015338.6(ASXL1):c.4253G>A (p.Gly1418Glu)

Gene: ASXL1 (ASXL transcriptional regulator 1; plus strand). Cytogenetic location: 20q11.21.
Variant type: single nucleotide variant.
Coding change: c.4253G>A on transcript NM_015338.6 (MANE Select); coding-DNA position 4253, G replaced by A.
Protein change: p.Gly1418Glu; replaces glycine 1418 with glutamic acid.
Molecular consequence: missense variant.
Genome position (GRCh38, 1-based): chr20:32,436,965, G>A. VCF-style: chr20-32436965-G-A. GRCh37 (hg19) VCF-style: chr20-31024768-G-A.
Other names: c.4070G>A, p.Gly1357Glu (NM_001363734.1); short protein forms G1357E, G1418E.
Identifiers: ClinVar variation 4588396 (VCV004588396.2).

ClinVar aggregate classification (germline): Uncertain significance. Review status: criteria provided, multiple submitters, no conflicts (2 of 4 stars). 2 submissions from 2 submitters: Uncertain significance (2). Last evaluated 2025-11-04.

Conditions:
Inborn genetic diseases. Identifiers: MedGen C0950123, MeSH D030342.

Submissions (2):

Ambry Genetics
Classification: Uncertain significance for Inborn genetic diseases. Last evaluated: 2025-11-04. Review status: criteria provided, single submitter. Criteria: Ambry Variant Classification Scheme 2023. Collection method: clinical testing. Allele origin: germline.
Comment: The p.G1418E variant (also known as c.4253G>A), located in coding exon 13 of the ASXL1 gene, results from a G to A substitution at nucleotide position 4253. The glycine at codon 1418 is replaced by glutamic acid, an amino acid with similar properties. This amino acid position is conserved. In addition, this alteration is predicted to be tolerated by in silico analysis. Based on the available evidence, the clinical significance of this variant remains unclear.

Blueprint Genetics
Classification: Uncertain significance. Last evaluated: 2022-11-28. Review status: criteria provided, single submitter. Criteria: ACMG Guidelines, 2015. Collection method: clinical testing. Allele origin: germline.